The following is an entry in ClinVar:

NM_001367624.2(ZNF469):c.8947C>T (p.Arg2983Trp)

Gene: ZNF469 (zinc finger protein 469; plus strand). Cytogenetic location: 16q24.2.
Variant type: single nucleotide variant.
Coding change: c.8947C>T on transcript NM_001367624.2 (MANE Select); coding-DNA position 8947, C replaced by T.
Protein change: p.Arg2983Trp; replaces arginine 2983 with tryptophan.
Molecular consequence: missense variant.
Genome position (GRCh38, 1-based): chr16:88,436,417, C>T. VCF-style: chr16-88436417-C-T. GRCh37 (hg19) VCF-style: chr16-88502825-C-T.
Other names: NM_001127464.1:c.8863C>T; short protein forms R2983W.
Identifiers: ClinVar variation 1764931 (VCV001764931.3), dbSNP rs1198933397, ClinGen allele CA397119860.

ClinVar aggregate classification (germline): Uncertain significance. Review status: criteria provided, multiple submitters, no conflicts (2 of 4 stars). 2 submissions from 2 submitters: Uncertain significance (2). Last evaluated 2025-12-23.

Conditions:
Cardiovascular phenotype. Identifiers: MedGen CN230736.

Allele frequency attached by ClinVar (database versions not stated): gnomAD 0.00001; TOPMed 0.00001.
gnomAD v4.1: 10 of 1,548,884 alleles (0.00065%); highest among the groups gnomAD compares: South Asian, 0.0024%; no homozygotes.

Submissions (2):

Women's Health and Genetics/Laboratory Corporation of America, LabCorp
Classification: Uncertain significance. Last evaluated: 2025-12-23. Review status: criteria provided, single submitter. Criteria: LabCorp Variant Classification Summary - May 2015. Collection method: clinical testing. Allele origin: germline.
Comment: Variant summary: ZNF469 c.8947C>T (p.Arg2983Trp) results in a non-conservative amino acid change in the encoded protein sequence. Algorithms developed to predict the effect of missense changes on protein structure and function are either unavailable or do not agree on the potential impact of this missense change. The variant was absent in 148978 control chromosomes. The available data on variant occurrences in the general population are insufficient to allow any conclusion about variant significance. To our knowledge, no occurrence of c.8947C>T in individuals affected with ZNF469-related conditions and no experimental evidence demonstrating its impact on protein function have been reported. ClinVar contains an entry for this variant (Variation ID: 1764931). Based on the evidence outlined above, the variant was classified as uncertain significance.

Ambry Genetics
Classification: Uncertain significance for Cardiovascular phenotype. Last evaluated: 2022-07-06. Review status: criteria provided, single submitter. Criteria: Ambry Variant Classification Scheme 2023. Collection method: clinical testing. Allele origin: germline.
Comment: The p.R2955W variant (also known as c.8863C>T), located in coding exon 2 of the ZNF469 gene, results from a C to T substitution at nucleotide position 8863. The arginine at codon 2955 is replaced by tryptophan, an amino acid with dissimilar properties. This amino acid position is conserved. In addition, this alteration is predicted to be tolerated by in silico analysis. Since supporting evidence is limited at this time, the clinical significance of this alteration remains unclear.